The following is an entry in ClinVar:

NM_000518.5(HBB):c.25_26del (p.Lys9fs)

Genes: HBB (hemoglobin subunit beta; minus strand), LOC106099062 (HBB recombination region; plus strand), LOC107133510 (origin of replication at HBB; plus strand). Cytogenetic location: 11p15.4.
Variant type: Deletion.
Coding change: c.25_26del on transcript NM_000518.5 (MANE Select); coding-DNA positions 25 to 26, 2 bases deleted (AA; older notation c.25_26delAA).
Protein change: p.Lys9fs; shifts the reading frame from lysine 9.
Molecular consequence: frameshift variant.
Genome position (GRCh38, 1-based): chr11:5,226,996-5,226,997, TT deleted on the plus strand (AA on the coding strand, the reverse complement: HBB is on the minus strand). VCF-style (leftmost placement, unchanged base first): chr11-5226995-CTT-C. GRCh37 (hg19) VCF-style: chr11-5248225-CTT-C.
Other names: cd8-AA; CD 8 (-AA); CD-8; p.Lys9ValfsTer16; c.25_26delAA (NM_000518.5); short protein forms K9fs.
Identifiers: ClinVar variation 15413 (VCV000015413.146), dbSNP rs35497102, ClinGen allele CA125279.
Genomic context (GRCh38, chr11:5,226,995, plus strand): 5'-CAGGGCCTCACCACCAACTTCATCCACGTTCACCTTGCCCCACAGGGCAGTAACGGCAGA[CTT>C]CTCCTCAGGAGTCAGATGCACCATGGTGTCTGTTTGAGGTTGCTAGTGAACACAGTTGTG-3'

ClinVar aggregate classification (germline): Pathogenic. Review status: criteria provided, multiple submitters, no conflicts (2 of 4 stars). 26 submissions from 26 submitters: Pathogenic (22). 4 of the submissions do not count toward it. Last evaluated 2026-06-01.

Conditions:
Hereditary persistence of fetal hemoglobin. Identifiers: MedGen C0019025, MONDO:0020989, OMIM 141749.
METHEMOGLOBINEMIA, BETA TYPE. Also called: Methemoglobinemia, beta-globin type. Identifiers: MedGen C1840779, OMIM 617971.
Malaria, susceptibility to. Identifiers: Orphanet 673, MedGen C1970028, MONDO:0021024, OMIM 611162.
Dominant beta-thalassemia. Also called: Beta-thalassemia, dominant inclusion body type. Identifiers: Orphanet 231226, Orphanet 848, MedGen C1858990, MONDO:0011381, OMIM 603902.
Beta-thalassemia HBB/LCRB. Identifiers: MedGen CN322236, MONDO:0013517, OMIM 613985.
Erythrocytosis, familial, 6. Also called: ERYTHROCYTOSIS, BETA-GLOBIN TYPE; POLYCYTHEMIA, BETA-GLOBIN TYPE. Identifiers: MedGen C4693822, MONDO:0054801, OMIM 617980.
Hb SS disease (SCD). Also called: Hemoglobin SS; Sickle cell anemia; Sickle cell disease; HbS disease; Hemoglobin S Disease; Sickling disorder due to hemoglobin S. Identifiers: Orphanet 232, Orphanet 275752, MedGen C0002895, MONDO:0011382, OMIM 603903.
Heinz body anemia. Also called: Heinz body hemolytic anemia. Identifiers: Orphanet 178330, MedGen C0700299, MONDO:0007705, OMIM 140700, HP:0005511.
HBB-related disorder. Also called: HBB-related disorders; HBB-related condition. Identifiers: MedGen CN239378.
Beta zero thalassemia. Identifiers: MedGen C0271980.
beta Thalassemia (BTHAL). Also called: Cooley's anemia; Erythroblastic anemia; Mediterranean anemia. Identifiers: Orphanet 848, MedGen C0005283, MONDO:0019402. Disease mechanism: loss of function.

Allele frequency attached by ClinVar (database versions not stated): gnomAD exomes 0.00001; ExAC 0.00002.

Submissions 1 to 13 of 26:

CeGaT Center for Human Genetics Tuebingen
Classification: Pathogenic. Last evaluated: 2026-06-01. Review status: criteria provided, single submitter. Criteria: CeGaT Center For Human Genetics Tuebingen Variant Classification Criteria Version 2. Collection method: clinical testing. Allele origin: germline. Affected: yes. Observed: 8 variant alleles.
Comment: HBB: PM3:Very Strong, PVS1:Strong, PM2

PreventionGenetics, part of Exact Sciences
Classification: Pathogenic for HBB-related condition. Last evaluated: 2026-04-13. Review status: criteria provided, single submitter. Criteria: ACMG Guidelines, 2015. Collection method: clinical testing. Allele origin: germline.
Comment: The HBB c.25_26delAA variant is predicted to result in a frameshift and premature protein termination (p.Lys9Valfs*14). This variant has been reported along with a second HBB variant in many individuals with beta thalassemia (see for examples, Figure 2 in Orkin et al. 1981. PubMed ID: 6985481; Diaz-Chico et al. 1988. PubMed ID: 2446680; Shammas et al. 2010. PubMed ID: 20704537 Jalilian et al. 2017. PubMed ID: 28391758). This variant is reported in 0.0033% of alleles in individuals of South Asian descent in gnomAD. Frameshift variants in HBB are expected to be pathogenic. This variant is interpreted as pathogenic.

Institute of Human Genetics, University of Leipzig Medical Center
Classification: Pathogenic for Dominant beta-thalassemia. Last evaluated: 2026-03-19. Review status: criteria provided, single submitter. Criteria: ACMG Guidelines, 2015. Collection method: clinical testing. Allele origin: unknown. Inheritance: Autosomal dominant inheritance. Affected: yes.
Comment: Criteria applied: PVS1,PS4

Labcorp Genetics (formerly Invitae), Labcorp
Classification: Pathogenic. Last evaluated: 2025-10-21. Review status: criteria provided, single submitter. Criteria: Invitae Variant Classification Sherloc (09022015). Collection method: clinical testing. Allele origin: germline.
Comment: This sequence change creates a premature translational stop signal (p.Lys9Valfs*14) in the HBB gene. It is expected to result in an absent or disrupted protein product. Loss-of-function variants in HBB are known to be pathogenic (PMID: 23637309). This variant is present in population databases (rs35497102, gnomAD 0.007%). This premature translational stop signal has been observed in individuals with HBB-related conditions (PMID: 3828533, 25405919, 26771086, 28391758). It has also been observed to segregate with disease in related individuals. ClinVar contains an entry for this variant (Variation ID: 15413). Algorithms developed to predict the effect of sequence changes on RNA splicing suggest that this variant may disrupt the consensus splice site. For these reasons, this variant has been classified as Pathogenic.

Natera, Inc.
Classification: Pathogenic for Beta thalassemia. Last evaluated: 2025-10-10. Review status: criteria provided, single submitter. Criteria: Natera Variant Classification Schema (03/2026). Collection method: clinical testing. Allele origin: germline.
Comment: The c.25_26delAA variant in HBB is a frameshift variant predicted to shift the reading frame beginning at codon 9 and leads to a stop codon 14 codons downstream. This variant is expected to result in nonsense mediated decay, truncation, or a dysfunctional protein product. This variant is rare in the general population with a frequency below the threshold expected for the associated phenotype(s). This variant has been observed in one or more individuals affected with the associated recessive disease, as either homozygous or compound heterozygous with a second variant (PMID: 28391758). Given the available evidence, this variant is classified as Pathogenic.

ARUP Laboratories, Molecular Genetics and Genomics, ARUP Laboratories
Classification: Pathogenic. Last evaluated: 2025-05-21. Review status: criteria provided, single submitter. Criteria: ARUP Molecular Germline Variant Investigation Process 2024. Collection method: clinical testing. Allele origin: germline.
Comment: The HBB c.25_26del; p.Lys9ValfsTer14 variant (also known as Lys8fsTer14 when numbered from the mature protein or as Codon 8 (-AA), rs35497102, Hbvar ID: 785) has been reported in multiple patients with beta (0) thalassemia, both in the homozygous state and in trans to another pathogenic variant (Jalilian 2017, Orkin 1981, HbVar database and references therein). This variant is found on only two chromosomes in the Genome Aggregation Database, indicating it is not a common polymorphism. This variant causes a frameshift by deleting two nucleotides, so it is predicted to result in a truncated protein or mRNA subject to nonsense-mediated decay. Based on available information, this variant is considered to be pathogenic. References: Link to HbVar database: Jalilian M et al. The Frequency of HBB Mutations Among beta-Thalassemia Patients in Hamadan Province, Iran. Hemoglobin. 2017 Jan;41(1):61-64. PMID: 28391758. Orkin S et al. Nonsense and frameshift mutations in beta 0-thalassemia detected in cloned beta-globin genes. J Biol Chem. 1981; 256(19):9782-4. PMID: 6985481.

Center for Genomic Medicine, Rigshospitalet, Copenhagen University Hospital
Classification: Pathogenic. Last evaluated: 2025-03-04. Review status: criteria provided, single submitter. Criteria: ACMG Guidelines, 2015. Collection method: clinical testing. Allele origin: germline.

First Genomix Gene Laboratory, Genetic Diagnostics Department
Classification: Pathogenic for Beta-thalassemia HBB/LCRB. Last evaluated: 2025-01-21. Review status: criteria provided, single submitter. Criteria: ACMG Guidelines, 2015. Collection method: clinical testing. Allele origin: germline. Inheritance: Autosomal recessive inheritance. Affected: no. Observed: 1 variant allele.

Fulgent Genetics
Classification: Pathogenic for Heinz body anemia; Hereditary persistence of fetal hemoglobin; Dominant beta-thalassemia; Hb SS disease; Malaria, susceptibility to; Beta-thalassemia HBB/LCRB; METHEMOGLOBINEMIA, BETA TYPE; Erythrocytosis, familial, 6. Last evaluated: 2024-04-04. Review status: criteria provided, single submitter. Criteria: ACMG Guidelines, 2015. Collection method: clinical testing. Allele origin: germline.

Genomic Medicine Center of Excellence, King Faisal Specialist Hospital and Research Centre
Classification: Pathogenic for Malaria, susceptibility to. Last evaluated: 2024-03-29. Review status: criteria provided, single submitter. Criteria: ACMG Guidelines, 2015. Collection method: clinical testing. Allele origin: germline.

Daryl Scott Lab, Baylor College of Medicine
Classification: Pathogenic for HBB-related disorder. Last evaluated: 2024-01-01. Review status: criteria provided, single submitter. Criteria: ACMG Guidelines, 2015. Collection method: clinical testing. Allele origin: unknown. Affected: yes. Observed: 1 heterozygote.
Comment: PVS1, PS4, PM2, PP1

Blueprint Genetics
Classification: Pathogenic for HBB-related disorders. Last evaluated: 2023-10-02. Review status: criteria provided, single submitter. Criteria: ACMG Guidelines, 2015. Collection method: clinical testing. Allele origin: germline. Affected: yes. Observed: 5 variant alleles.

3billion
Classification: Pathogenic for Beta-thalassemia HBB/LCRB. Last evaluated: 2023-02-23. Review status: criteria provided, single submitter. Criteria: ACMG Guidelines, 2015. Collection method: clinical testing. Allele origin: unknown. Affected: yes.
Comment: The variant is observed at an extremely low frequency in the gnomAD v2.1.1 dataset (total allele frequency: <0.001%). This variant was predicted to result in a loss or disruption of normal protein function through nonsense-mediated decay (NMD) or protein truncation. Multiple pathogenic variants are reported downstream of the variant. The variant has been reported at least twice as pathogenic with clinical assertions and evidence for the classification (ClinVar ID: VCV000015413 / PMID: 3828533). Therefore, this variant is classified as Pathogenic according to the recommendation of ACMG/AMP guideline.